The following is an entry in ClinVar:

NM_001987.5(ETV6):c.1169C>T (p.Thr390Ile)

Gene: ETV6 (ETS variant transcription factor 6; plus strand). Cytogenetic location: 12p13.2.
Variant type: single nucleotide variant.
Coding change: c.1169C>T on transcript NM_001987.5 (MANE Select); coding-DNA position 1169, C replaced by T.
Protein change: p.Thr390Ile; replaces threonine 390 with isoleucine.
Molecular consequence: missense variant. On other transcripts: intron variant (1).
Genome position (GRCh38, 1-based): chr12:11,885,942, C>T. VCF-style: chr12-11885942-C-T. GRCh37 (hg19) VCF-style: chr12-12038876-C-T.
Other names: c.1166C>T, p.Thr389Ile (NM_001413913.1); c.1142C>T, p.Thr381Ile (NM_001413914.1); c.905C>T, p.Thr302Ile (NM_001413915.1); c.1010-4999C>T (NM_001413917.1); short protein forms T302I, T381I, T389I, T390I.
Identifiers: ClinVar variation 2633647 (VCV002633647.1), dbSNP rs2498186758, ClinGen allele CA384044839.

ClinVar aggregate classification (germline): Uncertain significance (1 of 4 stars; one submission).

Conditions:
ETV6-related disorder. Also called: ETV6-related condition.

Submission:

PreventionGenetics, part of Exact Sciences
Classification: Uncertain significance for ETV6-related condition. Last evaluated: 2023-04-17. Review status: criteria provided, single submitter. Criteria: ACMG Guidelines, 2015. Collection method: clinical testing. Allele origin: germline.
Comment: The ETV6 c.1169C>T variant is predicted to result in the amino acid substitution p.Thr390Ile. To our knowledge, this variant has not been reported in the literature or in a large population database, indicating this variant is rare. At this time, the clinical significance of this variant is uncertain due to the absence of conclusive functional and genetic evidence.